The following is an entry in ClinVar:

NM_000264.5(PTCH1):c.1348-2A>G

Gene: PTCH1 (patched 1; minus strand). Cytogenetic location: 9q22.32.
Variant type: single nucleotide variant.
Coding change: c.1348-2A>G on transcript NM_000264.5 (MANE Select); the canonical splice acceptor site of the intron before coding-DNA position 1348, A replaced by G.
Molecular consequence: splice acceptor variant. On other transcripts: intron variant (1).
Genome position (GRCh38, 1-based): chr9:95,477,704, T>C on the plus strand (A>G on the coding strand, the complement: PTCH1 is on the minus strand). VCF-style: chr9-95477704-T-C. GRCh37 (hg19) VCF-style: chr9-98239986-T-C.
Other names: c.1345-2A>G (NM_001083603.3); c.1150-2A>G (NM_001083602.3); c.1347+351A>G (NM_001354918.2); c.895-2A>G (NM_001083605.3, NM_001083604.3, NM_001083606.3 and 1 more transcripts).
Identifiers: ClinVar variation 419592 (VCV000419592.12), dbSNP rs1064793978, ClinGen allele CA16618909.
Genomic context (GRCh38, chr9:95,477,704, plus strand): 5'-ACGGCACCCTGGGACTTGGAGCAGTCCCAGCGCAGCATGGTTAGACAGGCATAGGCGAGC[T>C]GCAAGCAGAACAATGGGGGCACAGAACAAAAGCCGAACATTAGAATGTGTTGTGATTCTA-3'

ClinVar aggregate classification (germline): Pathogenic. Review status: criteria provided, multiple submitters, no conflicts (2 of 4 stars). 3 submissions from 3 submitters: Pathogenic (3). Last evaluated 2025-11-05.

Conditions:
PTCH1-related disorder. Also called: PTCH1-related disorders; PTCH1-related condition.
Gorlin syndrome. Also called: Nevoid Basal Cell Carcinoma Syndrome; Basal cell nevus syndrome. Identifiers: Orphanet 377, MedGen C0004779, MONDO:0007187.

Submissions (3):

Labcorp Genetics (formerly Invitae), Labcorp
Classification: Pathogenic for Gorlin syndrome. Last evaluated: 2025-11-05. Review status: criteria provided, single submitter. Criteria: Invitae Variant Classification Sherloc (09022015). Collection method: clinical testing. Allele origin: germline.
Comment: This sequence change affects an acceptor splice site in intron 9 of the PTCH1 gene. It is expected to disrupt RNA splicing. Variants that disrupt the donor or acceptor splice site typically lead to a loss of protein function (PMID: 16199547), and loss-of-function variants in PTCH1 are known to be pathogenic (PMID: 16301862, 16419085). This variant is not present in population databases (gnomAD no frequency). Disruption of this splice site has been observed in individuals with nevoid basal cell carcinoma syndrome (NBCCS) (PMID: 22952776, 29277811). It has also been observed to segregate with disease in related individuals. ClinVar contains an entry for this variant (Variation ID: 419592). Algorithms developed to predict the effect of sequence changes on RNA splicing suggest that this variant may disrupt the consensus splice site. For these reasons, this variant has been classified as Pathogenic.

Blueprint Genetics
Classification: Pathogenic for PTCH1-related disorders. Last evaluated: 2019-02-17. Review status: criteria provided, single submitter. Criteria: ACMG Guidelines, 2015. Collection method: clinical testing. Allele origin: germline. Affected: yes. Observed: 1 variant allele.

GeneDx
Classification: Pathogenic. Last evaluated: 2015-08-05. Review status: criteria provided, single submitter. Criteria: GeneDx Variant Classification (06012015). Collection method: clinical testing. Allele origin: germline. Affected: yes.
Comment: The IVS9-2 A>G splice site variant in the PTCH1 gene has been previously reported in association withGorlin syndrome (Pastorino et al., 2012). This substitution destroys the canonical splice acceptor site in intron 9, and is expected to cause abnormal gene splicing. Therefore, we interpret IVS9-2 A>G as a pathogenic variant.

Literature cited by the submitters: PubMed 16199547 (cited by Labcorp Genetics (formerly Invitae), Labcorp); PubMed 16301862 (cited by Labcorp Genetics (formerly Invitae), Labcorp); PubMed 16419085 (cited by Labcorp Genetics (formerly Invitae), Labcorp); PubMed 22952776 (cited by Labcorp Genetics (formerly Invitae), Labcorp); PubMed 29277811 (cited by Labcorp Genetics (formerly Invitae), Labcorp).